The following is an entry in ClinVar:

ClinVar aggregate classification (germline): Uncertain significance (1 of 4 stars; one submission).

Conditions:
SIM1-related disorder. Also called: SIM1-related disorders; SIM1-related condition.

gnomAD v4.1: 1 of 1,614,180 alleles (0.000062%); highest among the groups gnomAD compares: South Asian, 0.0011%; no homozygotes.

Submission:

PreventionGenetics, part of Exact Sciences
Classification: Uncertain significance for SIM1-related condition. Last evaluated: 2025-08-20. Review status: criteria provided, single submitter. Criteria: ACMG Guidelines, 2015. Collection method: clinical testing. Allele origin: germline.
Comment: The SIM1 c.2153T>C variant is predicted to result in the amino acid substitution p.Leu718Pro. To our knowledge, this variant has not been reported in the literature or in a large population database (gnomAD), indicating this variant is rare. At this time, the clinical significance of this variant is uncertain due to the absence of conclusive functional and genetic evidence.

NM_005068.3(SIM1):c.2153T>C (p.Leu718Pro)

Gene: SIM1 (SIM bHLH transcription factor 1; minus strand). Cytogenetic location: 6q16.3.
Variant type: single nucleotide variant.
Coding change: c.2153T>C on transcript NM_005068.3 (MANE Select); coding-DNA position 2153, T replaced by C.
Protein change: p.Leu718Pro; replaces leucine 718 with proline.
Molecular consequence: missense variant.
Genome position (GRCh38, 1-based): chr6:100,390,509, A>G on the plus strand (T>C on the coding strand, the complement: SIM1 is on the minus strand). VCF-style: chr6-100390509-A-G. GRCh37 (hg19) VCF-style: chr6-100838385-A-G.
Other names: c.2153T>C, p.Leu718Pro (NM_001374769.1); short protein forms L718P.
Identifiers: ClinVar variation 4993315 (VCV004993315.1).
Genomic context (GRCh38, chr6:100,390,509, plus strand): 5'-TGTGAGCCATTACAGCCCAAGGAATAGTTTCTAATGGTTTCGCTGTCATATAAGTGCTCC[A>G]GGGCATATCCAGTTAATGTGTAAGCATGCTTGTCAAAATACTGCCGGTGAGAGCCAAAGC-3'
Protein context (NP_005059.2, residues 708-728): KHAYTLTGYA[Leu718Pro]EHLYDSETIR